The following is an entry in ClinVar:

NM_004329.3(BMPR1A):c.760C>G (p.Arg254Gly)

Gene: BMPR1A (bone morphogenetic protein receptor type 1A; plus strand). Cytogenetic location: 10q23.2.
Variant type: single nucleotide variant.
Coding change: c.760C>G on transcript NM_004329.3 (MANE Select); coding-DNA position 760, C replaced by G.
Protein change: p.Arg254Gly; replaces arginine 254 with glycine.
Molecular consequence: missense variant. On other transcripts: non-coding transcript variant (3).
Genome position (GRCh38, 1-based): chr10:86,917,218, C>G. VCF-style: chr10-86917218-C-G. GRCh37 (hg19) VCF-style: chr10-88676975-C-G.
Other names: c.760C>G, p.Arg254Gly (NM_001406577.1, NM_001406578.1, NM_001406579.1 and 19 more transcripts); c.754C>G, p.Arg252Gly (NM_001406583.1); c.676C>G, p.Arg226Gly (NM_001406584.1, NM_001406585.1, NM_001406586.1 and 2 more transcripts); c.835C>G, p.Arg279Gly (NM_001406559.1); c.808C>G, p.Arg270Gly (NM_001406560.1); c.418C>G, p.Arg140Gly (NM_001406589.1); short protein forms R140G, R226G, R252G, R279G, R254G, R270G.
Identifiers: ClinVar variation 3664749 (VCV003664749.2).

ClinVar aggregate classification (germline): Uncertain significance (1 of 4 stars; one submission).

Conditions:
Juvenile polyposis syndrome (JPS). Identifiers: Orphanet 2929, MedGen C0345893, MONDO:0017380, OMIM 174900.

Submission:

Labcorp Genetics (formerly Invitae), Labcorp
Classification: Uncertain significance for Juvenile polyposis syndrome. Last evaluated: 2024-12-18. Review status: criteria provided, single submitter. Criteria: Invitae Variant Classification Sherloc (09022015). Collection method: clinical testing. Allele origin: germline.
Comment: This sequence change replaces arginine, which is basic and polar, with glycine, which is neutral and non-polar, at codon 254 of the BMPR1A protein (p.Arg254Gly). This variant is not present in population databases (gnomAD no frequency). This variant has not been reported in the literature in individuals affected with BMPR1A-related conditions. Invitae Evidence Modeling of protein sequence and biophysical properties (such as structural, functional, and spatial information, amino acid conservation, physicochemical variation, residue mobility, and thermodynamic stability) indicates that this missense variant is not expected to disrupt BMPR1A protein function with a negative predictive value of 80%. In summary, the available evidence is currently insufficient to determine the role of this variant in disease. Therefore, it has been classified as a Variant of Uncertain Significance.